The following is an entry in ClinVar:

NM_001367916.1(MAGT1):c.397A>G (p.Met133Val)

Gene: MAGT1 (magnesium transporter 1; minus strand). Cytogenetic location: Xq21.1.
Variant type: single nucleotide variant.
Coding change: c.397A>G on transcript NM_001367916.1 (MANE Select); coding-DNA position 397, A replaced by G.
Protein change: p.Met133Val; replaces methionine 133 with valine.
Molecular consequence: missense variant.
Genome position (GRCh38, 1-based): chrX:77,857,491, T>C on the plus strand (A>G on the coding strand, the complement: MAGT1 is on the minus strand). VCF-style: chrX-77857491-T-C. GRCh37 (hg19) VCF-style: chrX-77112988-T-C.
Other names: c.493A>G, p.Met165Val (NM_032121.5); short protein forms M133V, M165V.
Identifiers: ClinVar variation 2443168 (VCV002443168.2), dbSNP rs782043620, ClinGen allele CA10458534.

ClinVar aggregate classification (germline): Uncertain significance (0 of 4 stars; one submission).

Allele frequency attached by ClinVar (database versions not stated): TOPMed 0.00001; gnomAD 0.00002.

Submission:

Genetic Services Laboratory, University of Chicago
Classification: Uncertain significance. Last evaluated: 2022-11-22. Review status: no assertion criteria provided. Collection method: clinical testing. Allele origin: germline. Affected: no.
Comment: DNA sequence analysis of the MAGT1 gene demonstrated a sequence change, c.493A>G, in exon 4 that results in an amino acid change, p.Met165Val. This sequence change does not appear to have been previously described in individuals with MAGT1-related disorders. This sequence change has been described in the gnomAD database with a frequency of 0.002% in the European subpopulation (dbSNP rs782043620). The p.Met165Val change affects a moderately conserved amino acid residue located in a domain of the MAGT1 protein that is known to be functional. In-silico pathogenicity prediction tools (SIFT, Align GVGD, REVEL) provide contradictory results for the p.Met165Val substitution. Due to insufficient evidences and the lack of functional studies, the clinical significance of the p.Met165Val change remains unknown at this time.